The following is an entry in ClinVar:

ClinVar aggregate classification (germline): Uncertain significance (1 of 4 stars; one submission).

Submission:

Labcorp Genetics (formerly Invitae), Labcorp
Classification: Uncertain significance. Last evaluated: 2025-07-29. Review status: criteria provided, single submitter. Criteria: Invitae Variant Classification Sherloc (09022015). Collection method: clinical testing. Allele origin: germline.
Comment: This sequence change creates a premature translational stop signal (p.Leu513Profs*9) in the TNNI3K gene. It is expected to result in an absent or disrupted protein product. However, the current clinical and genetic evidence is not sufficient to establish whether loss-of-function variants in TNNI3K cause disease. This variant is not present in population databases (gnomAD no frequency). This variant has not been reported in the literature in individuals affected with TNNI3K-related conditions. Algorithms developed to predict the effect of sequence changes on RNA splicing suggest that this variant may disrupt the consensus splice site. In summary, the available evidence is currently insufficient to determine the role of this variant in disease. Therefore, it has been classified as a Variant of Uncertain Significance.

NM_015978.3(TNNI3K):c.1538del (p.Leu513fs)

Genes: FPGT-TNNI3K (FPGT-TNNI3K readthrough; plus strand), TNNI3K (TNNI3 interacting kinase; plus strand). Cytogenetic location: 1p31.1.
Variant type: Deletion.
Coding change: c.1538del on transcript NM_015978.3 (MANE Select); coding-DNA position 1538, one base deleted (T; older notation c.1538delT).
Protein change: p.Leu513fs; shifts the reading frame from leucine 513.
Molecular consequence: frameshift variant.
Genome position (GRCh38, 1-based): chr1:74,369,456, T deleted. VCF-style (leftmost placement, unchanged base first): chr1-74369455-CT-C. GRCh37 (hg19) VCF-style: chr1-74835139-CT-C.
Other names: c.1841del, p.Leu614fs (NM_001112808.3, NM_001199327.2); short protein forms L513fs, L614fs.
Identifiers: ClinVar variation 4724224 (VCV004724224.1).